The following is an entry in ClinVar:

NM_001370259.2(MEN1):c.1586C>T (p.Pro529Leu)

Gene: MEN1 (menin 1; minus strand). Cytogenetic location: 11q13.1.
Variant type: single nucleotide variant.
Coding change: c.1586C>T on transcript NM_001370259.2 (MANE Select); coding-DNA position 1586, C replaced by T.
Protein change: p.Pro529Leu; replaces proline 529 with leucine.
Molecular consequence: missense variant. On other transcripts: non-coding transcript variant (4).
Genome position (GRCh38, 1-based): chr11:64,804,581, G>A on the plus strand (C>T on the coding strand, the complement: MEN1 is on the minus strand). VCF-style: chr11-64804581-G-A. GRCh37 (hg19) VCF-style: chr11-64572053-G-A.
Other names: c.1601C>T, p.Pro534Leu (NM_000244.4, NM_001407145.1, NM_130800.3 and 4 more transcripts); c.1712C>T, p.Pro571Leu (NM_001370251.2, NM_001407142.1, NM_001407143.1 and 1 more transcripts); c.1586C>T, p.Pro529Leu (NM_001370260.2, NM_001370261.2, NM_001407147.1 and 2 more transcripts); c.1481C>T, p.Pro494Leu (NM_001370262.2, NM_001370263.2, NM_001407148.1 and 1 more transcripts); c.1727C>T, p.Pro576Leu (NM_001407150.1); c.1607C>T, p.Pro536Leu (NM_001407151.1); c.1421C>T, p.Pro474Leu (NM_001407152.1); short protein forms P494L, P534L, P571L, P536L, P474L, P576L, P529L.
Identifiers: ClinVar variation 3294201 (VCV003294201.1).

ClinVar aggregate classification (germline): Uncertain significance (1 of 4 stars; one submission).

Conditions:
Hereditary cancer-predisposing syndrome. Also called: Tumor predisposition; Hereditary Cancer Syndrome; Hereditary neoplastic syndrome; Neoplastic Syndromes, Hereditary. Identifiers: Orphanet 140162, MedGen C0027672, MeSH D009386, MONDO:0015356.

Submission:

Ambry Genetics
Classification: Uncertain significance for Hereditary cancer-predisposing syndrome. Last evaluated: 2024-03-20. Review status: criteria provided, single submitter. Criteria: Ambry Variant Classification Scheme 2023. Collection method: clinical testing. Allele origin: germline.
Comment: The p.P529L variant (also known as c.1586C>T), located in coding exon 9 of the MEN1 gene, results from a C to T substitution at nucleotide position 1586. The proline at codon 529 is replaced by leucine, an amino acid with similar properties. This amino acid position is conserved. In addition, the in silico prediction for this alteration is inconclusive. Based on the available evidence, the clinical significance of this alteration remains unclear.